The following is an entry in ClinVar:

ClinVar aggregate classification (germline): Uncertain significance (1 of 4 stars; one submission).

Conditions:
Cardiovascular phenotype. Identifiers: MedGen CN230736.

Submission:

Ambry Genetics
Classification: Uncertain significance for Cardiovascular phenotype. Last evaluated: 2026-09-11. Review status: criteria provided, single submitter. Criteria: Ambry Variant Classification Scheme 2023. Collection method: clinical testing. Allele origin: germline.
Comment: The p.K4021T variant (also known as c.12062A>C), located in coding exon 28 of the APOB gene, results from an A to C substitution at nucleotide position 12062. The lysine at codon 4021 is replaced by threonine, an amino acid with similar properties. This amino acid position is conserved. In addition, this alteration is predicted to be tolerated by in silico analysis. Based on the available evidence, the clinical significance of this variant remains unclear.

NM_000384.3(APOB):c.12062A>C (p.Lys4021Thr)

Gene: APOB (apolipoprotein B; minus strand). Cytogenetic location: 2p24.1.
Variant type: single nucleotide variant.
Coding change: c.12062A>C on transcript NM_000384.3 (MANE Select); coding-DNA position 12062, A replaced by C.
Protein change: p.Lys4021Thr; replaces lysine 4021 with threonine.
Molecular consequence: missense variant.
Genome position (GRCh38, 1-based): chr2:21,004,294, T>G on the plus strand (A>C on the coding strand, the complement: APOB is on the minus strand). VCF-style: chr2-21004294-T-G. GRCh37 (hg19) VCF-style: chr2-21227166-T-G.
Other names: short protein forms K4021T.
Identifiers: ClinVar variation 4613710 (VCV004613710.2).